The following is an entry in ClinVar:

ClinVar aggregate classification (germline): Conflicting classifications of pathogenicity. Review status: criteria provided, conflicting classifications (1 of 4 stars). 3 submissions from 3 submitters: Uncertain significance (2); Likely benign (1). Last evaluated 2025-09-05.

Conditions:
Familial thoracic aortic aneurysm and aortic dissection (TAAD). Also called: Thoracic aortic aneurysms and dissections. Identifiers: Orphanet 91387, MedGen C4707243, MONDO:0019625.
Aortic aneurysm, familial thoracic 4 (AAT4). Also called: AORTIC ANEURYSM/AORTIC DISSECTION AND PATENT DUCTUS ARTERIOSUS. Identifiers: MedGen C1851504, MONDO:0007568, OMIM 132900.

Allele frequency attached by ClinVar (database versions not stated): gnomAD exomes below 0.00001; TOPMed below 0.00001.
gnomAD v4.1: 1 of 1,608,102 alleles (0.000062%); highest among the groups gnomAD compares: Non-Finnish European, 0.000085%; no homozygotes.

Submissions (3):

Color Diagnostics, LLC DBA Color Health
Classification: Likely benign for Familial thoracic aortic aneurysm and aortic dissection. Last evaluated: 2025-09-05. Review status: criteria provided, single submitter. Criteria: ACMG Guidelines, 2015. Collection method: clinical testing. Allele origin: germline.

Labcorp Genetics (formerly Invitae), Labcorp
Classification: Uncertain significance for Aortic aneurysm, familial thoracic 4. Last evaluated: 2024-11-30. Review status: criteria provided, single submitter. Criteria: Invitae Variant Classification Sherloc (09022015). Collection method: clinical testing. Allele origin: germline.
Comment: This sequence change replaces glutamine, which is neutral and polar, with glutamic acid, which is acidic and polar, at codon 957 of the MYH11 protein (p.Gln957Glu). This variant is not present in population databases (gnomAD no frequency). This variant has not been reported in the literature in individuals affected with MYH11-related conditions. ClinVar contains an entry for this variant (Variation ID: 1318681). Invitae Evidence Modeling of protein sequence and biophysical properties (such as structural, functional, and spatial information, amino acid conservation, physicochemical variation, residue mobility, and thermodynamic stability) indicates that this missense variant is not expected to disrupt MYH11 protein function with a negative predictive value of 95%. In summary, the available evidence is currently insufficient to determine the role of this variant in disease. Therefore, it has been classified as a Variant of Uncertain Significance.

GeneDx
Classification: Uncertain significance. Last evaluated: 2020-07-13. Review status: criteria provided, single submitter. Criteria: GeneDx Variant Classification Process June 2021. Collection method: clinical testing. Allele origin: germline. Affected: yes.
Comment: Not observed in large population cohorts (Lek et al., 2016); In silico analysis supports that this missense variant does not alter protein structure/function; Has not been previously published as pathogenic or benign to our knowledge

NM_002474.3(MYH11):c.2848C>G (p.Gln950Glu)

Gene: MYH11 (myosin heavy chain 11; minus strand). Cytogenetic location: 16p13.11.
Variant type: single nucleotide variant.
Coding change: c.2848C>G on transcript NM_002474.3 (MANE Select); coding-DNA position 2848, C replaced by G.
Protein change: p.Gln950Glu; replaces glutamine 950 with glutamic acid.
Molecular consequence: missense variant.
Genome position (GRCh38, 1-based): chr16:15,741,474, G>C on the plus strand (C>G on the coding strand, the complement: MYH11 is on the minus strand). VCF-style: chr16-15741474-G-C. GRCh37 (hg19) VCF-style: chr16-15835331-G-C.
Other names: c.2869C>G, p.Gln957Glu (NM_001040113.2, NM_001040114.2); c.2848C>G, p.Gln950Glu (NM_022844.3); short protein forms Q950E, Q957E.
Identifiers: ClinVar variation 1318681 (VCV001318681.6), dbSNP rs2041269564, ClinGen allele CA394864920.